The following is an entry in ClinVar:

ClinVar aggregate classification (germline): Likely benign. Review status: criteria provided, single submitter (1 of 4 stars). 2 submissions from 2 submitters: Likely benign (1). 1 of the submissions does not count toward it. Last evaluated 2024-11-13.

Conditions:
MYH9-related disorder. Identifiers: MedGen C1854520.

Allele frequency attached by ClinVar (database versions not stated): TOPMed below 0.00001; gnomAD 0.00001; gnomAD exomes 0.00001.
gnomAD v4.1: 12 of 1,613,384 alleles (0.00074%); highest among the groups gnomAD compares: South Asian, 0.0022%; no homozygotes.

Submissions (2):

Labcorp Genetics (formerly Invitae), Labcorp
Classification: Likely benign. Last evaluated: 2024-11-13. Review status: criteria provided, single submitter. Criteria: Invitae Variant Classification Sherloc (09022015). Collection method: clinical testing. Allele origin: germline.

PreventionGenetics, part of Exact Sciences
Classification: Likely benign for MYH9-related condition. Last evaluated: 2022-07-21. Review status: no assertion criteria provided. Collection method: clinical testing. Allele origin: germline. Not counted in ClinVar's aggregate classification.
Comment: This variant is classified as likely benign based on ACMG/AMP sequence variant interpretation guidelines (Richards et al. 2015 PMID: 25741868, with internal and published modifications).

NM_002473.6(MYH9):c.5133C>T (p.Ala1711=)

Gene: MYH9 (myosin heavy chain 9; minus strand). Cytogenetic location: 22q12.3.
Variant type: single nucleotide variant.
Coding change: c.5133C>T on transcript NM_002473.6 (MANE Select); coding-DNA position 5133, C replaced by T.
Protein change: p.Ala1711=; no amino-acid change (alanine 1711 retained).
Molecular consequence: synonymous variant.
Genome position (GRCh38, 1-based): chr22:36,285,882, G>A on the plus strand (C>T on the coding strand, the complement: MYH9 is on the minus strand). VCF-style: chr22-36285882-G-A. GRCh37 (hg19) VCF-style: chr22-36681928-G-A.
Identifiers: ClinVar variation 3031857 (VCV003031857.4), dbSNP rs1315796069, ClinGen allele CA514473564.
Genomic context (GRCh38, chr22:36,285,882, plus strand): 5'-ACACACCTGGTCCCCCCCAACTCTGCCCCCTCACTCAGCTCACCCTTTGCCGCTGCTGTT[G>A]GCGATCTCGTCAGCCAGCTCATCCCGCTCCTGCTGGGCCTGGCGCTTGGCACGCTCCGCG-3'
Protein context (NP_002464.1, residues 1701-1721): QERDELADEI[Ala1711=]NSSGKGALAL